The following is an entry in ClinVar:

NM_004973.4(JARID2):c.2978A>G (p.Glu993Gly)

Gene: JARID2 (jumonji and AT-rich interaction domain containing 2; plus strand). Cytogenetic location: 6p22.3.
Variant type: single nucleotide variant.
Coding change: c.2978A>G on transcript NM_004973.4 (MANE Select); coding-DNA position 2978, A replaced by G.
Protein change: p.Glu993Gly; replaces glutamic acid 993 with glycine.
Molecular consequence: missense variant.
Genome position (GRCh38, 1-based): chr6:15,512,233, A>G. VCF-style: chr6-15512233-A-G. GRCh37 (hg19) VCF-style: chr6-15512464-A-G.
Other names: c.2462A>G, p.Glu821Gly (NM_001267040.1); short protein forms E821G, E993G.
Identifiers: ClinVar variation 5003059 (VCV005003059.1).

ClinVar aggregate classification (germline): Uncertain significance (1 of 4 stars; one submission).

Conditions:
Developmental delay with variable intellectual disability and dysmorphic facies. Identifiers: MedGen C5774242, MONDO:0859306, OMIM 620098.

Submission:

OLLIN Analises Genomicas, OLLIN
Classification: Uncertain significance for Developmental delay with variable intellectual disability and dysmorphic facies. Last evaluated: 2026-08-06. Review status: criteria provided, single submitter. Criteria: ACMG Guidelines 2015 PMID 25741868. Collection method: clinical testing. Allele origin: germline.
Comment: This missense variant, located in exon 14 (of 18), is absent from gnomAD and ClinVar and has not been identified in the literature. In silico analysis is inconclusive regarding the impact of this variant. According to the currently available evidence, this variant has been classified as uncertain significance (PM2_P).